The following is an entry in ClinVar:

NM_000135.4(FANCA):c.721A>G (p.Met241Val)

Gene: FANCA (FA complementation group A; minus strand). Cytogenetic location: 16q24.3.
Variant type: single nucleotide variant.
Coding change: c.721A>G on transcript NM_000135.4 (MANE Select); coding-DNA position 721, A replaced by G.
Protein change: p.Met241Val; replaces methionine 241 with valine.
Molecular consequence: missense variant.
Genome position (GRCh38, 1-based): chr16:89,803,330, T>C on the plus strand (A>G on the coding strand, the complement: FANCA is on the minus strand). VCF-style: chr16-89803330-T-C. GRCh37 (hg19) VCF-style: chr16-89869738-T-C.
Other names: c.721A>G, p.Met241Val (NM_001018112.3, NM_001286167.3); c.625A>G, p.Met209Val (NM_001351830.2); short protein forms M241V, M209V.
Identifiers: ClinVar variation 4254174 (VCV004254174.1).
Genomic context (GRCh38, chr16:89,803,330, plus strand): 5'-TTTCAGGCTCCACAGTTCTTCTCAGATCTGAGTTTTTCTGAAATCCCCTCAAAACAAACA[T>C]TTGAACAAAATCTGAAAAACCATAAAACCAAAGTTATTTATGGACATCATGGTCTCCAAG-3'
Protein context (NP_000126.2, residues 231-251): ARAMLSDFVQ[Met241Val]FVLRGFQKNS

ClinVar aggregate classification (germline): Uncertain significance (1 of 4 stars; one submission).

Conditions:
Inborn genetic diseases. Identifiers: MedGen C0950123, MeSH D030342.

gnomAD v4.1: 3 of 1,613,982 alleles (0.00019%); highest among the groups gnomAD compares: East Asian, 0.0022%; no homozygotes.

Submission:

Ambry Genetics
Classification: Uncertain significance for Inborn genetic diseases. Last evaluated: 2025-07-03. Review status: criteria provided, single submitter. Criteria: Ambry Variant Classification Scheme 2023. Collection method: clinical testing. Allele origin: germline.
Comment: The p.M241V variant (also known as c.721A>G), located in coding exon 8 of the FANCA gene, results from an A to G substitution at nucleotide position 721. The methionine at codon 241 is replaced by valine, an amino acid with highly similar properties. This amino acid position is conserved. In addition, this alteration is predicted to be tolerated by in silico analysis. Based on the available evidence, the clinical significance of this variant remains unclear.